The following is an entry in ClinVar:

NM_021999.5(ITM2B):c.325G>T (p.Ala109Ser)

Gene: ITM2B (integral membrane protein 2B; plus strand). Cytogenetic location: 13q14.2.
Variant type: single nucleotide variant.
Coding change: c.325G>T on transcript NM_021999.5 (MANE Select); coding-DNA position 325, G replaced by T.
Protein change: p.Ala109Ser; replaces alanine 109 with serine.
Molecular consequence: missense variant.
Genome position (GRCh38, 1-based): chr13:48,256,255, G>T. VCF-style: chr13-48256255-G-T. GRCh37 (hg19) VCF-style: chr13-48830391-G-T.
Other names: short protein forms A109S.
Identifiers: ClinVar variation 1503648 (VCV001503648.6), dbSNP rs748146945, ClinGen allele CA6978752.

ClinVar aggregate classification (germline): Uncertain significance (1 of 4 stars; one submission).

Allele frequency attached by ClinVar (database versions not stated): gnomAD exomes 0.00001 and 0.00004; gnomAD 0.00002; ExAC 0.00003; TOPMed 0.00005.
gnomAD v4.1: 11 of 1,612,812 alleles (0.00068%); highest among the groups gnomAD compares: East Asian, 0.025%; no homozygotes.

Submission:

Labcorp Genetics (formerly Invitae), Labcorp
Classification: Uncertain significance. Last evaluated: 2021-10-11. Review status: criteria provided, single submitter. Criteria: Invitae Variant Classification Sherloc (09022015). Collection method: clinical testing. Allele origin: germline.
Comment: This sequence change replaces alanine with serine at codon 109 of the ITM2B protein (p.Ala109Ser). The alanine residue is moderately conserved and there is a moderate physicochemical difference between alanine and serine. This variant has not been reported in the literature in individuals affected with ITM2B-related conditions. This variant is present in population databases (rs748146945, ExAC 0.03%). Algorithms developed to predict the effect of missense changes on protein structure and function (SIFT, PolyPhen-2, Align-GVGD) all suggest that this variant is likely to be tolerated. In summary, the available evidence is currently insufficient to determine the role of this variant in disease. Therefore, it has been classified as a Variant of Uncertain Significance.